The following is an entry in ClinVar:

ClinVar aggregate classification (germline): Uncertain significance (1 of 4 stars; one submission).

Conditions:
Galactosylceramide beta-galactosidase deficiency. Also called: GALACTOCEREBROSIDASE DEFICIENCY; GALC DEFICIENCY; GLOBOID CELL LEUKOENCEPHALOPATHY; Krabbe Disease; Leukodystrophy, Globoid Cell. Identifiers: Orphanet 487, MedGen C0023521, MONDO:0009499, OMIM 245200.

Submission:

Labcorp Genetics (formerly Invitae), Labcorp
Classification: Uncertain significance for Galactosylceramide beta-galactosidase deficiency. Last evaluated: 2022-06-24. Review status: criteria provided, single submitter. Criteria: Invitae Variant Classification Sherloc (09022015). Collection method: clinical testing. Allele origin: germline.
Comment: This variant has not been reported in the literature in individuals affected with GALC-related conditions. In summary, the available evidence is currently insufficient to determine the role of this variant in disease. Therefore, it has been classified as a Variant of Uncertain Significance. Advanced modeling of protein sequence and biophysical properties (such as structural, functional, and spatial information, amino acid conservation, physicochemical variation, residue mobility, and thermodynamic stability) performed at Invitae indicates that this missense variant is not expected to disrupt GALC protein function. This variant is not present in population databases (gnomAD no frequency). This sequence change replaces tyrosine, which is neutral and polar, with cysteine, which is neutral and slightly polar, at codon 401 of the GALC protein (p.Tyr401Cys).

NM_000153.4(GALC):c.1202A>G (p.Tyr401Cys)

Gene: GALC (galactosylceramidase; minus strand). Cytogenetic location: 14q31.3.
Variant type: single nucleotide variant.
Coding change: c.1202A>G on transcript NM_000153.4 (MANE Select); coding-DNA position 1202, A replaced by G.
Protein change: p.Tyr401Cys; replaces tyrosine 401 with cysteine.
Molecular consequence: missense variant.
Genome position (GRCh38, 1-based): chr14:87,950,708, T>C on the plus strand (A>G on the coding strand, the complement: GALC is on the minus strand). VCF-style: chr14-87950708-T-C. GRCh37 (hg19) VCF-style: chr14-88417052-T-C.
Other names: c.1133A>G, p.Tyr378Cys (NM_001201401.2); c.1124A>G, p.Tyr375Cys (NM_001201402.2); short protein forms Y378C, Y375C, Y401C.
Identifiers: ClinVar variation 2010184 (VCV002010184.4), dbSNP rs2503376127, ClinGen allele CA390747014.